The following is an entry in ClinVar:

NM_001913.5(CUX1):c.1501C>T (p.Leu501=)

Gene: CUX1 (cut like homeobox 1; plus strand). Cytogenetic location: 7q22.1.
Variant type: single nucleotide variant.
Coding change: c.1501C>T on transcript NM_001913.5 (MANE Plus Clinical); coding-DNA position 1501, C replaced by T.
Protein change: p.Leu501=; no amino-acid change (leucine 501 retained).
Molecular consequence: synonymous variant.
Genome position (GRCh38, 1-based): chr7:102,275,297, C>T. VCF-style: chr7-102275297-C-T. GRCh37 (hg19) VCF-style: chr7-101918568-C-T.
Other names: c.1453C>T, p.Leu485= (NM_001202544.3); c.1363C>T, p.Leu455= (NM_001202545.3); c.1384C>T, p.Leu462= (NM_001202546.3); c.1495C>T, p.Leu499= (NM_181500.4).
Identifiers: ClinVar variation 4534026 (VCV004534026.6).

ClinVar aggregate classification (germline): Likely benign (1 of 4 stars; one submission).

gnomAD v4.1: 154 of 1,612,708 alleles (0.0095%); highest among the groups gnomAD compares: Admixed American, 0.15%; no homozygotes.

Submission:

CeGaT Center for Human Genetics Tuebingen
Classification: Likely benign. Last evaluated: 2026-09-01. Review status: criteria provided, single submitter. Criteria: CeGaT Center For Human Genetics Tuebingen Variant Classification Criteria Version 2. Collection method: clinical testing. Allele origin: germline. Affected: yes. Observed: 4 variant alleles.
Comment: CUX1: BP4, BP7, BS1